The following is an entry in ClinVar:

ClinVar aggregate classification (germline): Likely benign. Review status: criteria provided, multiple submitters, no conflicts (2 of 4 stars). 2 submissions from 2 submitters: Likely benign (2). Last evaluated 2026-04-01.

gnomAD v4.1: 35 of 1,613,360 alleles (0.0022%); highest among the groups gnomAD compares: South Asian, 0.0033%; no homozygotes.

Submissions (2):

CeGaT Center for Human Genetics Tuebingen
Classification: Likely benign. Last evaluated: 2026-04-01. Review status: criteria provided, single submitter. Criteria: CeGaT Center For Human Genetics Tuebingen Variant Classification Criteria Version 2. Collection method: clinical testing. Allele origin: germline. Affected: yes. Observed: 3 variant alleles.
Comment: SRCAP: BP4, BP7

Labcorp Genetics (formerly Invitae), Labcorp
Classification: Likely benign. Last evaluated: 2022-07-15. Review status: criteria provided, single submitter. Criteria: Invitae Variant Classification Sherloc (09022015). Collection method: clinical testing. Allele origin: germline.

NM_006662.3(SRCAP):c.7539G>A (p.Pro2513=)

Gene: SRCAP (Snf2 related CREBBP activator protein; plus strand). Cytogenetic location: 16p11.2.
Variant type: single nucleotide variant.
Coding change: c.7539G>A on transcript NM_006662.3 (MANE Select); coding-DNA position 7539, G replaced by A.
Protein change: p.Pro2513=; no amino-acid change (proline 2513 retained).
Molecular consequence: synonymous variant.
Genome position (GRCh38, 1-based): chr16:30,737,579, G>A. VCF-style: chr16-30737579-G-A. GRCh37 (hg19) VCF-style: chr16-30748900-G-A.
Identifiers: ClinVar variation 2183861 (VCV002183861.28), dbSNP rs34062097, ClinGen allele CA8012505.